The following is an entry in ClinVar:

ClinVar aggregate classification (germline): Pathogenic (1 of 4 stars; one submission).

Conditions:
Cerebellar dysfunction with variable cognitive and behavioral abnormalities (CECBA). Also called: Nonprogressive cerebellar atxia with intellectual disability. Identifiers: Orphanet 314647, MedGen C3553661, MONDO:0013886, OMIM 614756.

Submission:

Institute of Human Genetics, University of Leipzig Medical Center
Classification: Pathogenic for Cerebellar dysfunction with variable cognitive and behavioral abnormalities. Last evaluated: 2025-06-25. Review status: criteria provided, single submitter. Criteria: ACMG Guidelines, 2015. Collection method: clinical testing. Allele origin: unknown. Inheritance: Autosomal dominant inheritance. Affected: yes.
Comment: Criteria applied: PVS1,PM2

NM_015215.4(CAMTA1):c.271G>T (p.Glu91Ter)

Gene: CAMTA1 (calmodulin binding transcription activator 1; plus strand). Cytogenetic location: 1p36.31.
Variant type: single nucleotide variant.
Coding change: c.271G>T on transcript NM_015215.4 (MANE Select); coding-DNA position 271, G replaced by T.
Protein change: p.Glu91Ter; replaces glutamic acid 91 with a stop codon.
Molecular consequence: nonsense.
Genome position (GRCh38, 1-based): chr1:7,091,340, G>T. VCF-style: chr1-7091340-G-T. GRCh37 (hg19) VCF-style: chr1-7151400-G-T.
Other names: c.181G>T, p.Glu61Ter (NM_001349608.2, NM_001349612.2); c.271G>T, p.Glu91Ter (NM_001349609.2, NM_001349610.2, NM_001410737.1 and 1 more transcripts); short protein forms E61*, E91*.
Identifiers: ClinVar variation 4056332 (VCV004056332.1).